The following is an entry in ClinVar:

ClinVar aggregate classification (germline): Likely benign (1 of 4 stars; one submission).

gnomAD v4.1: 403 of 471,416 alleles (0.085%); highest among the groups gnomAD compares: South Asian, 0.3%; 2 homozygotes.

Submission:

CeGaT Center for Human Genetics Tuebingen
Classification: Likely benign. Last evaluated: 2025-09-01. Review status: criteria provided, single submitter. Criteria: CeGaT Center For Human Genetics Tuebingen Variant Classification Criteria Version 2. Collection method: clinical testing. Allele origin: germline. Affected: yes. Observed: 1 variant allele.
Comment: BNC2: BP4, BS1

NM_017637.6(BNC2):c.2639+500G>A

Gene: BNC2 (basonuclin zinc finger protein 2; minus strand). Cytogenetic location: 9p22.3.
Variant type: single nucleotide variant.
Coding change: c.2639+500G>A on transcript NM_017637.6 (MANE Select); 500 bases into the intron after coding-DNA position 2639, G replaced by A.
Molecular consequence: intron variant. On other transcripts: missense variant (1).
Genome position (GRCh38, 1-based): chr9:16,435,055, C>T on the plus strand (G>A on the coding strand, the complement: BNC2 is on the minus strand). VCF-style: chr9-16435055-C-T. GRCh37 (hg19) VCF-style: chr9-16435053-C-T.
Other names: c.2558G>A, p.Arg853Gln (NM_001317939.2); c.2354+500G>A (NM_001317940.2); short protein forms R853Q.
Identifiers: ClinVar variation 4280845 (VCV004280845.7).